The following is an entry in ClinVar:

NM_000203.5(IDUA):c.958G>A (p.Ala320Thr)

Gene: IDUA (alpha-L-iduronidase; plus strand). Cytogenetic location: 4p16.3.
Variant type: single nucleotide variant.
Coding change: c.958G>A on transcript NM_000203.5 (MANE Select); coding-DNA position 958, G replaced by A.
Protein change: p.Ala320Thr; replaces alanine 320 with threonine.
Molecular consequence: missense variant. On other transcripts: non-coding transcript variant (1).
Genome position (GRCh38, 1-based): chr4:1,002,147, G>A. VCF-style: chr4-1002147-G-A. GRCh37 (hg19) VCF-style: chr4-995935-G-A.
Other names: c.562G>A, p.Ala188Thr (NM_001363576.1); c.958G>A (NM_000203.4); short protein forms A188T, A320T.
Identifiers: ClinVar variation 2417411 (VCV002417411.5), dbSNP rs1398575078, ClinGen allele CA355962824.

ClinVar aggregate classification (germline): Uncertain significance. Review status: criteria provided, single submitter (1 of 4 stars). 2 submissions from 2 submitters: Uncertain significance (1). 1 of the submissions does not count toward it. Last evaluated 2022-06-07.

Conditions:
Mucopolysaccharidosis type 1. Also called: IDUA deficiency; MPS I. Identifiers: Orphanet 579, MedGen C0023786, MONDO:0001586.

Allele frequency attached by ClinVar (database versions not stated): TOPMed below 0.00001.
gnomAD v4.1: 3 of 1,558,810 alleles (0.00019%); highest among the groups gnomAD compares: Admixed American, 0.0058%; no homozygotes.

Submissions (2):

Labcorp Genetics (formerly Invitae), Labcorp
Classification: Uncertain significance for Mucopolysaccharidosis type 1. Last evaluated: 2022-06-07. Review status: criteria provided, single submitter. Criteria: Invitae Variant Classification Sherloc (09022015). Collection method: clinical testing. Allele origin: germline.
Comment: This sequence change replaces alanine, which is neutral and non-polar, with threonine, which is neutral and polar, at codon 320 of the IDUA protein (p.Ala320Thr). The frequency data for this variant in the population databases is considered unreliable, as metrics indicate poor data quality at this position in the gnomAD database. This variant has not been reported in the literature in individuals affected with IDUA-related conditions. Advanced modeling of protein sequence and biophysical properties (such as structural, functional, and spatial information, amino acid conservation, physicochemical variation, residue mobility, and thermodynamic stability) performed at Invitae indicates that this missense variant is expected to disrupt IDUA protein function. In summary, the available evidence is currently insufficient to determine the role of this variant in disease. Therefore, it has been classified as a Variant of Uncertain Significance.

Natera, Inc.
Classification: Uncertain significance for Mucopolysaccharidosis type I. Last evaluated: 2025-01-22. Review status: no assertion criteria provided. Collection method: clinical testing. Allele origin: germline. Not counted in ClinVar's aggregate classification.